The following is an entry in ClinVar:

NM_001130823.3(DNMT1):c.97A>G (p.Arg33Gly)

Genes: DNMT1 (DNA methyltransferase 1; minus strand), LOC107080555 (origin of replication in DNMT1; plus strand). Cytogenetic location: 19p13.2.
Variant type: single nucleotide variant.
Coding change: c.97A>G on transcript NM_001130823.3 (MANE Select); coding-DNA position 97, A replaced by G.
Protein change: p.Arg33Gly; replaces arginine 33 with glycine.
Molecular consequence: missense variant. On other transcripts: 5 prime UTR variant (1).
Genome position (GRCh38, 1-based): chr19:10,182,061, T>C on the plus strand (A>G on the coding strand, the complement: DNMT1 is on the minus strand). VCF-style: chr19-10182061-T-C. GRCh37 (hg19) VCF-style: chr19-10292737-T-C.
Other names: c.97A>G (NM_001130823.2); c.97A>G, p.Arg33Gly (NM_001318730.2, NM_001379.4); c.-227A>G (NM_001318731.2); short protein forms R33G.
Identifiers: ClinVar variation 962918 (VCV000962918.11), dbSNP rs374817622, ClinGen allele CA9188846.

ClinVar aggregate classification (germline): Uncertain significance. Review status: criteria provided, multiple submitters, no conflicts (2 of 4 stars). 3 submissions from 3 submitters: Uncertain significance (3). Last evaluated 2025-08-04.

Conditions:
DNMT1-related disorder. Also called: DNMT1-related condition. Identifiers: MedGen CN381527.
Hereditary sensory neuropathy-deafness-dementia syndrome. Also called: Hereditary Sensory and Autonomic Neuropathy Type 1E (HSAN1E); HSN IE; Hereditary sensory neuropathy type IE; NEUROPATHY, HEREDITARY SENSORY, WITH HEARING LOSS AND DEMENTIA. Identifiers: Orphanet 456318, MedGen C3279885, MONDO:0013584, OMIM 614116.

Allele frequency attached by ClinVar (database versions not stated): ExAC 0.00001; ESP Exome Variant Server 0.00008; gnomAD 0.00002; TOPMed 0.00002; gnomAD exomes 0.00003.
gnomAD v4.1: 45 of 1,612,640 alleles (0.0028%); highest among the groups gnomAD compares: Non-Finnish European, 0.0037%; no homozygotes.

Submissions (3):

PreventionGenetics, part of Exact Sciences
Classification: Uncertain significance for DNMT1-related condition. Last evaluated: 2025-08-04. Review status: criteria provided, single submitter. Criteria: ACMG Guidelines, 2015. Collection method: clinical testing. Allele origin: germline.
Comment: The DNMT1 c.97A>G variant is predicted to result in the amino acid substitution p.Arg33Gly. To our knowledge, this variant has not been reported in the literature or in a large population database (gnomAD), indicating this variant is rare. At this time, the clinical significance of this variant is uncertain due to the absence of conclusive functional and genetic evidence.

Labcorp Genetics (formerly Invitae), Labcorp
Classification: Uncertain significance for Hereditary sensory neuropathy-deafness-dementia syndrome. Last evaluated: 2025-03-12. Review status: criteria provided, single submitter. Criteria: Invitae Variant Classification Sherloc (09022015). Collection method: clinical testing. Allele origin: germline.
Comment: This sequence change replaces arginine, which is basic and polar, with glycine, which is neutral and non-polar, at codon 33 of the DNMT1 protein (p.Arg33Gly). This variant is present in population databases (rs374817622, gnomAD 0.0009%). This variant has not been reported in the literature in individuals affected with DNMT1-related conditions. ClinVar contains an entry for this variant (Variation ID: 962918). An algorithm developed to predict the effect of missense changes on protein structure and function (PolyPhen-2) suggests that this variant is likely to be tolerated. In summary, the available evidence is currently insufficient to determine the role of this variant in disease. Therefore, it has been classified as a Variant of Uncertain Significance.

Blueprint Genetics
Classification: Uncertain significance. Last evaluated: 2022-11-02. Review status: criteria provided, single submitter. Criteria: ACMG Guidelines, 2015. Collection method: clinical testing. Allele origin: germline.